The following is an entry in ClinVar:

ClinVar aggregate classification (germline): Conflicting classifications of pathogenicity. Review status: criteria provided, conflicting classifications (1 of 4 stars). 3 submissions from 3 submitters: Uncertain significance (2); Likely benign (1). Last evaluated 2025-10-11.

Conditions:
Cardiovascular phenotype. Identifiers: MedGen CN230736.
Familial hypobetalipoproteinemia 1. Also called: Hypobetalipoproteinemia, normotriglyceridemic; Acanthocytosis with hypobetalipoproteinemia; APOB-Related Familial Hypobetalipoproteinemia. Identifiers: MedGen C4551990, MONDO:0014252, OMIM 615558.
Hypercholesterolemia, autosomal dominant, type B (FHCL2). Also called: Familial Hypercholesterolemia Type B; HYPERCHOLESTEROLEMIA, FAMILIAL, DUE TO LIGAND-DEFECTIVE APOLIPOPROTEIN B; Familial hypercholesterolemia 2; APOB-Related Familial Hypercholesterolemia, Autosomal Dominant; APOLIPOPROTEIN B-100, FAMILIAL DEFECTIVE; APOLIPOPROTEIN B-100, FAMILIAL LIGAND-DEFECTIVE. Identifiers: MedGen C1704417, MONDO:0007751, OMIM 144010.

Allele frequency attached by ClinVar (database versions not stated): gnomAD exomes 0.00001 and 0.00002; ExAC 0.00002; gnomAD 0.00002; TOPMed 0.00002.
gnomAD v4.1: 43 of 1,613,734 alleles (0.0027%); highest among the groups gnomAD compares: Non-Finnish European, 0.003%; no homozygotes.

Submissions (3):

Labcorp Genetics (formerly Invitae), Labcorp
Classification: Likely benign for Familial hypobetalipoproteinemia 1; Hypercholesterolemia, autosomal dominant, type B. Last evaluated: 2025-10-11. Review status: criteria provided, single submitter. Criteria: Invitae Variant Classification Sherloc (09022015). Collection method: clinical testing. Allele origin: germline.

Ambry Genetics
Classification: Uncertain significance for Cardiovascular phenotype. Last evaluated: 2025-05-17. Review status: criteria provided, single submitter. Criteria: Ambry Variant Classification Scheme 2023. Collection method: clinical testing. Allele origin: germline.
Comment: The p.H4260R variant (also known as c.12779A>G), located in coding exon 29 of the APOB gene, results from an A to G substitution at nucleotide position 12779. The histidine at codon 4260 is replaced by arginine, an amino acid with highly similar properties. This amino acid position is poorly conserved in available vertebrate species. In addition, this alteration is predicted to be tolerated by in silico analysis. Since supporting evidence is limited at this time, the clinical significance of this alteration remains unclear.

Fulgent Genetics
Classification: Uncertain significance for Hypercholesterolemia, autosomal dominant, type B; Familial hypobetalipoproteinemia 1. Last evaluated: 2021-07-27. Review status: criteria provided, single submitter. Criteria: ACMG Guidelines, 2015. Collection method: clinical testing. Allele origin: unknown.

NM_000384.3(APOB):c.12779A>G (p.His4260Arg)

Gene: APOB (apolipoprotein B; minus strand). Cytogenetic location: 2p24.1.
Variant type: single nucleotide variant.
Coding change: c.12779A>G on transcript NM_000384.3 (MANE Select); coding-DNA position 12779, A replaced by G.
Protein change: p.His4260Arg; replaces histidine 4260 with arginine.
Molecular consequence: missense variant.
Genome position (GRCh38, 1-based): chr2:21,002,643, T>C on the plus strand (A>G on the coding strand, the complement: APOB is on the minus strand). VCF-style: chr2-21002643-T-C. GRCh37 (hg19) VCF-style: chr2-21225515-T-C.
Other names: short protein forms H4260R.
Identifiers: ClinVar variation 925120 (VCV000925120.10), dbSNP rs781061676, ClinGen allele CA051072.